The following is an entry in ClinVar:

NM_001039111.3(TRIM71):c.1557A>T (p.Ser519=)

Gene: TRIM71 (tripartite motif containing 71; plus strand). Cytogenetic location: 3p22.3.
Variant type: single nucleotide variant.
Coding change: c.1557A>T on transcript NM_001039111.3 (MANE Select); coding-DNA position 1557, A replaced by T.
Protein change: p.Ser519=; no amino-acid change (serine 519 retained).
Molecular consequence: synonymous variant.
Genome position (GRCh38, 1-based): chr3:32,890,761, A>T. VCF-style: chr3-32890761-A-T. GRCh37 (hg19) VCF-style: chr3-32932253-A-T.
Identifiers: ClinVar variation 3032384 (VCV003032384.2), dbSNP rs2471094479, ClinGen allele CA433061161.

ClinVar aggregate classification (germline): Likely benign (0 of 4 stars; one submission).

Conditions:
TRIM71-related disorder. Also called: TRIM71-related condition.

Submission:

PreventionGenetics, part of Exact Sciences
Classification: Likely benign for TRIM71-related condition. Last evaluated: 2021-10-15. Review status: no assertion criteria provided. Collection method: clinical testing. Allele origin: germline.
Comment: This variant is classified as likely benign based on ACMG/AMP sequence variant interpretation guidelines (Richards et al. 2015 PMID: 25741868, with internal and published modifications).